The following is an entry in ClinVar:

NM_004958.4(MTOR):c.5532C>T (p.Thr1844=)

Gene: MTOR (mechanistic target of rapamycin kinase; minus strand). Cytogenetic location: 1p36.22.
Variant type: single nucleotide variant.
Coding change: c.5532C>T on transcript NM_004958.4 (MANE Select); coding-DNA position 5532, C replaced by T.
Protein change: p.Thr1844=; no amino-acid change (threonine 1844 retained).
Molecular consequence: synonymous variant.
Genome position (GRCh38, 1-based): chr1:11,130,610, G>A on the plus strand (C>T on the coding strand, the complement: MTOR is on the minus strand). VCF-style: chr1-11130610-G-A. GRCh37 (hg19) VCF-style: chr1-11190667-G-A.
Other names: c.5532C>T, p.Thr1844= (NM_001386500.1); c.4284C>T, p.Thr1428= (NM_001386501.1); c.5532C>T (NM_004958.3).
Identifiers: ClinVar variation 1094343 (VCV001094343.11), dbSNP rs547613363, ClinGen allele CA589315.

ClinVar aggregate classification (germline): Likely benign. Review status: criteria provided, single submitter (1 of 4 stars). 2 submissions from 2 submitters: Likely benign (1). 1 of the submissions does not count toward it. Last evaluated 2025-03-19.

Conditions:
MTOR-related disorder. Also called: MTOR-related condition.

Allele frequency attached by ClinVar (database versions not stated): TOPMed below 0.00001; gnomAD 0.00001; gnomAD exomes 0.00006; ExAC 0.00007.
gnomAD v4.1: 51 of 1,613,842 alleles (0.0032%); highest among the groups gnomAD compares: South Asian, 0.026%; no homozygotes.

Submissions (2):

Labcorp Genetics (formerly Invitae), Labcorp
Classification: Likely benign. Last evaluated: 2025-03-19. Review status: criteria provided, single submitter. Criteria: Invitae Variant Classification Sherloc (09022015). Collection method: clinical testing. Allele origin: germline.

PreventionGenetics, part of Exact Sciences
Classification: Likely benign for MTOR-related condition. Last evaluated: 2019-08-19. Review status: no assertion criteria provided. Collection method: clinical testing. Allele origin: germline. Not counted in ClinVar's aggregate classification.
Comment: This variant is classified as likely benign based on ACMG/AMP sequence variant interpretation guidelines (Richards et al. 2015 PMID: 25741868, with internal and published modifications).